The following is an entry in ClinVar:

ClinVar aggregate classification (germline): Likely benign. Review status: criteria provided, multiple submitters, no conflicts (2 of 4 stars). 3 submissions from 3 submitters: Likely benign (3). Last evaluated 2026-01-25.

Conditions:
Hereditary cancer-predisposing syndrome. Also called: Tumor predisposition; Hereditary neoplastic syndrome; Hereditary Cancer Syndrome; Neoplastic Syndromes, Hereditary. Identifiers: Orphanet 140162, MedGen C0027672, MeSH D009386, MONDO:0015356.
Multiple endocrine neoplasia, type 2 (MEN2). Identifiers: Orphanet 653, MedGen C4048306, MONDO:0019003. Disease mechanism: gain of function.

Allele frequency attached by ClinVar (database versions not stated): gnomAD exomes below 0.00001; ExAC 0.00001.
gnomAD v4.1: 1 of 1,614,174 alleles (0.000062%); highest among the groups gnomAD compares: African/African-American, 0.0013%; no homozygotes.

Submissions (3):

Labcorp Genetics (formerly Invitae), Labcorp
Classification: Likely benign for Multiple endocrine neoplasia, type 2. Last evaluated: 2026-01-25. Review status: criteria provided, single submitter. Criteria: Invitae Variant Classification Sherloc (09022015). Collection method: clinical testing. Allele origin: germline.

All of Us Research Program, National Institutes of Health
Classification: Likely benign for Multiple endocrine neoplasia, type 2. Last evaluated: 2024-03-24. Review status: criteria provided, single submitter. Criteria: ACMG Guidelines, 2015. Collection method: clinical testing. Allele origin: germline. Inheritance: Autosomal dominant inheritance. Observed: 1 variant allele, 1 heterozygote.
Comment: This study involves interpretation of variants in research participants for the purpose of population health screening. Participant phenotype was not available at the time of variant classification. Additional details can be found in publication PMID: 35346344, PMCID: PMC8962531

Ambry Genetics
Classification: Likely benign for Hereditary cancer-predisposing syndrome. Last evaluated: 2022-06-29. Review status: criteria provided, single submitter. Criteria: Ambry Variant Classification Scheme 2023. Collection method: clinical testing. Allele origin: germline.

NM_020975.6(RET):c.561G>A (p.Gln187=)

Gene: RET (ret proto-oncogene; plus strand). Cytogenetic location: 10q11.21.
Variant type: single nucleotide variant.
Coding change: c.561G>A on transcript NM_020975.6 (MANE Select); coding-DNA position 561, G replaced by A.
Protein change: p.Gln187=; no amino-acid change (glutamine 187 retained).
Molecular consequence: synonymous variant. On other transcripts: intron variant (15).
Genome position (GRCh38, 1-based): chr10:43,102,565, G>A. VCF-style: chr10-43102565-G-A. GRCh37 (hg19) VCF-style: chr10-43598013-G-A.
Other names: c.561G>A, p.Gln187= (NM_000323.2, NM_001406743.1, NM_001406744.1 and 16 more transcripts); c.432G>A, p.Gln144= (NM_001406761.1, NM_001406762.1, NM_001406764.1 and 4 more transcripts); c.337+1843G>A (NM_001406770.1, NM_001406766.1, NM_001406767.1 and 8 more transcripts); c.74-6466G>A (NM_001406784.1); c.74-9534G>A (NM_001406794.1, NM_001406792.1, NM_001406793.1).
Identifiers: ClinVar variation 1096982 (VCV001096982.13), dbSNP rs764162555, ClinGen allele CA043950.
Genomic context (GRCh38, chr10:43,102,565, plus strand): 5'-CCCAGAGACAAGGCCCTCCTTCCGCATTCGGGAGAACCGACCCCCAGGCACCTTCCACCA[G>A]TTCCGCCTGCTGCCTGTGCAGTTCTTGTGCCCCAACATCAGCGTGGCCTACAGGCTCCTG-3'
Protein context (NP_066124.1, residues 177-197): RENRPPGTFH[Gln187=]FRLLPVQFLC